The following is an entry in ClinVar:

NM_001035.3(RYR2):c.9920T>C (p.Ile3307Thr)

Gene: RYR2 (ryanodine receptor 2; plus strand). Cytogenetic location: 1q43.
Variant type: single nucleotide variant.
Coding change: c.9920T>C on transcript NM_001035.3 (MANE Select); coding-DNA position 9920, T replaced by C.
Protein change: p.Ile3307Thr; replaces isoleucine 3307 with threonine.
Molecular consequence: missense variant.
Genome position (GRCh38, 1-based): chr1:237,708,876, T>C. VCF-style: chr1-237708876-T-C. GRCh37 (hg19) VCF-style: chr1-237872176-T-C.
Other names: short protein forms I3307T.
Identifiers: ClinVar variation 3633823 (VCV003633823.2).

ClinVar aggregate classification (germline): Uncertain significance (1 of 4 stars; one submission).

Conditions:
Catecholaminergic polymorphic ventricular tachycardia 1. Also called: VENTRICULAR TACHYCARDIA, CATECHOLAMINERGIC POLYMORPHIC, 1, WITH OR WITHOUT ATRIAL DYSFUNCTION AND/OR DILATED CARDIOMYOPATHY; RYR2-Related Catecholaminergic Polymorphic Ventricular Tachycardia; VENTRICULAR TACHYCARDIA, STRESS-INDUCED POLYMORPHIC 1. Identifiers: Orphanet 3286, MedGen C1631597, MONDO:0011484, OMIM 604772.

Submission:

Labcorp Genetics (formerly Invitae), Labcorp
Classification: Uncertain significance for Catecholaminergic polymorphic ventricular tachycardia 1. Last evaluated: 2024-03-19. Review status: criteria provided, single submitter. Criteria: Invitae Variant Classification Sherloc (09022015). Collection method: clinical testing. Allele origin: germline.
Comment: This sequence change replaces isoleucine, which is neutral and non-polar, with threonine, which is neutral and polar, at codon 3307 of the RYR2 protein (p.Ile3307Thr). This variant is not present in population databases (gnomAD no frequency). This variant has not been reported in the literature in individuals affected with RYR2-related conditions. Advanced modeling of protein sequence and biophysical properties (such as structural, functional, and spatial information, amino acid conservation, physicochemical variation, residue mobility, and thermodynamic stability) performed at Invitae indicates that this missense variant is not expected to disrupt RYR2 protein function with a negative predictive value of 95%. In summary, the available evidence is currently insufficient to determine the role of this variant in disease. Therefore, it has been classified as a Variant of Uncertain Significance.